The following is an entry in ClinVar:

ClinVar aggregate classification (germline): Pathogenic (1 of 4 stars; one submission).

Conditions:
Bardet-Biedl syndrome 12 (BBS12). Identifiers: Orphanet 110, MedGen C1859570, MONDO:0014440, OMIM 615989.

Submission:

Myriad Genetics, Inc.
Classification: Pathogenic for Bardet-Biedl syndrome 12. Last evaluated: 2026-02-10. Review status: criteria provided, single submitter. Criteria: Myriad Autosomal Dominant, Autosomal Recessive and X-Linked Classification Criteria (2023). Collection method: clinical testing. Allele origin: unknown.
Comment: NM_152618.2(BBS12):c.1243C>T(Q415*) is a nonsense variant classified as pathogenic in the context of Bardet-Biedl syndrome, BBS12-related. Q415* has not been observed in cases with relevant disease. Relevant functional assessments of this variant are not available in the literature. Q415* has not been observed in referenced population frequency databases. In summary, NM_152618.2(BBS12):c.1243C>T(Q415*) is a nonsense variant in a gene where loss of function is a known mechanism of disease and is predicted to disrupt protein function. Please note: this variant was assessed in the context of healthy population screening.

NM_152618.3(BBS12):c.1243C>T (p.Gln415Ter)

Gene: BBS12 (Bardet-Biedl syndrome 12; plus strand). Cytogenetic location: 4q27.
Variant type: single nucleotide variant.
Coding change: c.1243C>T on transcript NM_152618.3 (MANE Select); coding-DNA position 1243, C replaced by T.
Protein change: p.Gln415Ter; replaces glutamine 415 with a stop codon.
Molecular consequence: nonsense.
Genome position (GRCh38, 1-based): chr4:122,743,135, C>T. VCF-style: chr4-122743135-C-T. GRCh37 (hg19) VCF-style: chr4-123664290-C-T.
Other names: c.1243C>T, p.Gln415Ter (NM_001178007.2); short protein forms Q415*.
Identifiers: ClinVar variation 5003437 (VCV005003437.1).